The following is an entry in ClinVar:

NM_018089.3(ANKZF1):c.560A>G (p.Asp187Gly)

Gene: ANKZF1 (ankyrin repeat and zinc finger peptidyl tRNA hydrolase 1; plus strand). Cytogenetic location: 2q35.
Variant type: single nucleotide variant.
Coding change: c.560A>G on transcript NM_018089.3 (MANE Select); coding-DNA position 560, A replaced by G.
Protein change: p.Asp187Gly; replaces aspartic acid 187 with glycine.
Molecular consequence: missense variant. On other transcripts: 5 prime UTR variant (1).
Genome position (GRCh38, 1-based): chr2:219,233,080, A>G. VCF-style: chr2-219233080-A-G. GRCh37 (hg19) VCF-style: chr2-220097802-A-G.
Other names: c.560A>G, p.Asp187Gly (NM_001042410.2); c.-71A>G (NM_001282792.2); short protein forms D187G.
Identifiers: ClinVar variation 4761691 (VCV004761691.1).

ClinVar aggregate classification (germline): Uncertain significance (1 of 4 stars; one submission).

Submission:

Labcorp Genetics (formerly Invitae), Labcorp
Classification: Uncertain significance. Last evaluated: 2025-08-18. Review status: criteria provided, single submitter. Criteria: Invitae Variant Classification Sherloc (09022015). Collection method: clinical testing. Allele origin: germline.
Comment: This sequence change replaces aspartic acid, which is acidic and polar, with glycine, which is neutral and non-polar, at codon 187 of the ANKZF1 protein (p.Asp187Gly). This variant is not present in population databases (gnomAD no frequency). This variant has not been reported in the literature in individuals affected with ANKZF1-related conditions. An algorithm developed to predict the effect of missense changes on protein structure and function (PolyPhen-2) suggests that this variant is likely to be tolerated. In summary, the available evidence is currently insufficient to determine the role of this variant in disease. Therefore, it has been classified as a Variant of Uncertain Significance.